The following is an entry in ClinVar:

NM_005732.4(RAD50):c.1328T>G (p.Ile443Ser)

Gene: RAD50 (RAD50 double strand break repair protein; plus strand). Cytogenetic location: 5q31.1.
Variant type: single nucleotide variant.
Coding change: c.1328T>G on transcript NM_005732.4 (MANE Select); coding-DNA position 1328, T replaced by G.
Protein change: p.Ile443Ser; replaces isoleucine 443 with serine.
Molecular consequence: missense variant.
Genome position (GRCh38, 1-based): chr5:132,589,713, T>G. VCF-style: chr5-132589713-T-G. GRCh37 (hg19) VCF-style: chr5-131925405-T-G.
Other names: short protein forms I443S.
Identifiers: ClinVar variation 3429475 (VCV003429475.1).

ClinVar aggregate classification (germline): Uncertain significance (1 of 4 stars; one submission).

Conditions:
Hereditary cancer-predisposing syndrome. Also called: Neoplastic Syndromes, Hereditary; Tumor predisposition; Hereditary Cancer Syndrome; Hereditary neoplastic syndrome. Identifiers: Orphanet 140162, MedGen C0027672, MeSH D009386, MONDO:0015356.

Submission:

Ambry Genetics
Classification: Uncertain significance for Hereditary cancer-predisposing syndrome. Last evaluated: 2024-06-28. Review status: criteria provided, single submitter. Criteria: Ambry Variant Classification Scheme 2023. Collection method: clinical testing. Allele origin: germline.
Comment: The p.I443S variant (also known as c.1328T>G), located in coding exon 9 of the RAD50 gene, results from a T to G substitution at nucleotide position 1328. The isoleucine at codon 443 is replaced by serine, an amino acid with dissimilar properties. This amino acid position is conserved. In addition, this alteration is predicted to be tolerated by in silico analysis. Based on the available evidence, the clinical significance of this variant remains unclear.